The following is an entry in ClinVar:

NM_017534.6(MYH2):c.5072T>C (p.Ile1691Thr)

Genes: MYHAS (myosin heavy chain gene cluster antisense RNA; plus strand), MYH2 (myosin heavy chain 2; minus strand), LOC126862500 (BRD4-independent group 4 enhancer GRCh37_chr17:10427829-10429028; plus strand). Cytogenetic location: 17p13.1.
Variant type: single nucleotide variant.
Coding change: c.5072T>C on transcript NM_017534.6 (MANE Select); coding-DNA position 5072, T replaced by C.
Protein change: p.Ile1691Thr; replaces isoleucine 1691 with threonine.
Molecular consequence: missense variant.
Genome position (GRCh38, 1-based): chr17:10,524,569, A>G on the plus strand (T>C on the coding strand, the complement: MYH2 is on the minus strand). VCF-style: chr17-10524569-A-G. GRCh37 (hg19) VCF-style: chr17-10427886-A-G.
Other names: c.5072T>C, p.Ile1691Thr (NM_001100112.2); short protein forms I1691T.
Identifiers: ClinVar variation 1010508 (VCV001010508.5), dbSNP rs2073324867, ClinGen allele CA398119424.

ClinVar aggregate classification (germline): Uncertain significance (1 of 4 stars; one submission).

Conditions:
Myopathy, proximal, and ophthalmoplegia (CMYO6). Also called: INCLUSION BODY MYOPATHY 3, AUTOSOMAL DOMINANT; CONGENITAL MYOPATHY 6 WITH OPHTHALMOPLEGIA; MYOPATHY WITH CONGENITAL JOINT CONTRACTURES, OPHTHALMOPLEGIA, AND RIMMED VACUOLES. Identifiers: Orphanet 363677, Orphanet 79091, MedGen C1854106, MONDO:0011577, OMIM 605637.

Submission:

Labcorp Genetics (formerly Invitae), Labcorp
Classification: Uncertain significance for Myopathy, proximal, and ophthalmoplegia. Last evaluated: 2020-04-02. Review status: criteria provided, single submitter. Criteria: Invitae Variant Classification Sherloc (09022015). Collection method: clinical testing. Allele origin: germline.
Comment: This sequence change replaces isoleucine with threonine at codon 1691 of the MYH2 protein (p.Ile1691Thr). The isoleucine residue is highly conserved and there is a moderate physicochemical difference between isoleucine and threonine. Algorithms developed to predict the effect of missense changes on protein structure and function are either unavailable or do not agree on the potential impact of this missense change (SIFT: "Deleterious"; PolyPhen-2: "Benign"; Align-GVGD: "Class C65"). This variant has not been reported in the literature in individuals with MYH2-related conditions. This variant is not present in population databases (ExAC no frequency). In summary, the available evidence is currently insufficient to determine the role of this variant in disease. Therefore, it has been classified as a Variant of Uncertain Significance.